The following is an entry in ClinVar:

ClinVar aggregate classification (germline): Uncertain significance (1 of 4 stars; one submission).

Conditions:
Inborn genetic diseases. Identifiers: MedGen C0950123, MeSH D030342.

Submission:

Ambry Genetics
Classification: Uncertain significance for Inborn genetic diseases. Last evaluated: 2024-06-23. Review status: criteria provided, single submitter. Criteria: Ambry Variant Classification Scheme 2023. Collection method: clinical testing. Allele origin: germline.
Comment: The p.L50I variant (also known as c.148C>A), located in coding exon 1 of the ACD gene, results from a C to A substitution at nucleotide position 148. The leucine at codon 50 is replaced by isoleucine, an amino acid with highly similar properties. This amino acid position is conserved. In addition, this alteration is predicted to be tolerated by in silico analysis. Based on the available evidence, the clinical significance of this variant remains unclear.

NM_001082486.1(ACD):c.148C>A (p.Leu50Ile)

Genes: ACD (ACD shelterin complex subunit and telomerase recruitment factor; minus strand), LOC130059224 (ATAC-STARR-seq lymphoblastoid silent region 7617; plus strand). Cytogenetic location: 16q22.1.
Variant type: single nucleotide variant.
Coding change: c.148C>A on transcript NM_001082486.1; coding-DNA position 148, C replaced by A.
Protein change: p.Leu50Ile; replaces leucine 50 with isoleucine.
Genome position (GRCh38, 1-based): chr16:67,660,331, G>T on the plus strand (C>A on the coding strand, the complement: ACD is on the minus strand). VCF-style: chr16-67660331-G-T. GRCh37 (hg19) VCF-style: chr16-67694234-G-T.
Other names: short protein forms L50I.
Identifiers: ClinVar variation 3261442 (VCV003261442.1).